The following is an entry in ClinVar:

NM_001005242.3(PKP2):c.165G>T (p.Arg55=)

Gene: PKP2 (plakophilin 2; minus strand). Cytogenetic location: 12p11.21.
Variant type: single nucleotide variant.
Coding change: c.165G>T on transcript NM_001005242.3 (MANE Select); coding-DNA position 165, G replaced by T.
Protein change: p.Arg55=; no amino-acid change (arginine 55 retained).
Molecular consequence: synonymous variant.
Genome position (GRCh38, 1-based): chr12:32,896,567, C>A on the plus strand (G>T on the coding strand, the complement: PKP2 is on the minus strand). VCF-style: chr12-32896567-C-A. GRCh37 (hg19) VCF-style: chr12-33049501-C-A.
Other names: c.165G>T, p.Arg55= (NM_004572.4).
Identifiers: ClinVar variation 522297 (VCV000522297.17), dbSNP rs1472609900, ClinGen allele CA479175837.

ClinVar aggregate classification (germline): Likely benign. Review status: criteria provided, multiple submitters, no conflicts (2 of 4 stars). 7 submissions from 7 submitters: Likely benign (6). 1 of the submissions does not count toward it. Last evaluated 2025-02-09.

Conditions:
Cardiovascular phenotype. Identifiers: MedGen CN230736.
Arrhythmogenic right ventricular cardiomyopathy (ARVD). Also called: Arrhythmogenic cardiomyopathy; Arrhythmogenic Right Ventricular Cardiomyopathy (ARVC); Cardiomyopathy, ARVC; Arrhythmogenic right ventricular dysplasia. Identifiers: Orphanet 247, MedGen C0349788, MeSH D019571, MONDO:0016587. Disease mechanism: loss of function. Inheritance: Various modes of inheritance.
Cardiomyopathy (CMYO). Also called: Cardiomyopathies. Identifiers: Orphanet 167848, MedGen C0878544, MONDO:0004994, HP:0001638. Inheritance: Various modes of inheritance.
Arrhythmogenic right ventricular dysplasia 9 (ARVD9). Also called: Arrhythmogenic Right Ventricular Dysplasia/Cardiomyopathy 9; ARRHYTHMOGENIC RIGHT VENTRICULAR DYSPLASIA, FAMILIAL, 9. Identifiers: MedGen C1836906, MONDO:0012180, OMIM 609040.

Allele frequency attached by ClinVar (database versions not stated): gnomAD exomes 0.00001; TOPMed 0.00001.
gnomAD v4.1: 3 of 1,590,622 alleles (0.00019%); highest among the groups gnomAD compares: South Asian, 0.0011%; no homozygotes.

Submissions (7):

Labcorp Genetics (formerly Invitae), Labcorp
Classification: Likely benign for Arrhythmogenic right ventricular dysplasia 9. Last evaluated: 2025-02-09. Review status: criteria provided, single submitter. Criteria: Invitae Variant Classification Sherloc (09022015). Collection method: clinical testing. Allele origin: germline.

Blueprint Genetics
Classification: Likely benign. Last evaluated: 2024-07-29. Review status: criteria provided, single submitter. Criteria: ACMG Guidelines, 2015. Collection method: clinical testing. Allele origin: germline.

All of Us Research Program, National Institutes of Health
Classification: Likely benign for Arrhythmogenic right ventricular cardiomyopathy. Last evaluated: 2023-09-17. Review status: criteria provided, single submitter. Criteria: ACMG Guidelines, 2015. Collection method: clinical testing. Allele origin: germline. Inheritance: Autosomal dominant inheritance. Observed: 1 variant allele, 1 heterozygote.
Comment: This study involves interpretation of variants in research participants for the purpose of population health screening. Participant phenotype was not available at the time of variant classification. Additional details can be found in publication PMID: 35346344, PMCID: PMC8962531

Ambry Genetics
Classification: Likely benign for Cardiovascular phenotype. Last evaluated: 2022-11-27. Review status: criteria provided, single submitter. Criteria: Ambry Variant Classification Scheme 2023. Collection method: clinical testing. Allele origin: germline.

Color Diagnostics, LLC DBA Color Health
Classification: Likely benign for Cardiomyopathy. Last evaluated: 2019-10-01. Review status: criteria provided, single submitter. Criteria: ACMG Guidelines, 2015. Collection method: clinical testing. Allele origin: germline.

Clinical Genetics DNA and cytogenetics Diagnostics Lab, Erasmus MC, Erasmus Medical Center
Classification: Likely benign for Arrhythmogenic right ventricular dysplasia 9. Last evaluated: 2015-09-21. Review status: criteria provided, single submitter. Criteria: ACGS Guidelines, 2013. Collection method: clinical testing. Allele origin: germline. Affected: yes. Study: VKGL Data-share Consensus.

Clinical Genetics, Academic Medical Center
Classification: Benign. Review status: no assertion criteria provided. Collection method: clinical testing. Allele origin: germline. Affected: yes. Study: VKGL Data-share Consensus. Not counted in ClinVar's aggregate classification.